The following is an entry in ClinVar:

NM_144666.3(DNHD1):c.14020C>G (p.Pro4674Ala)

Gene: DNHD1 (dynein heavy chain domain 1; plus strand). Cytogenetic location: 11p15.4.
Variant type: single nucleotide variant.
Coding change: c.14020C>G on transcript NM_144666.3 (MANE Select); coding-DNA position 14020, C replaced by G.
Protein change: p.Pro4674Ala; replaces proline 4674 with alanine.
Molecular consequence: missense variant.
Genome position (GRCh38, 1-based): chr11:6,571,744, C>G. VCF-style: chr11-6571744-C-G. GRCh37 (hg19) VCF-style: chr11-6592974-C-G.
Other names: short protein forms P4674A.
Identifiers: ClinVar variation 3067354 (VCV003067354.21), dbSNP rs1315193983, ClinGen allele CA379422730.

ClinVar aggregate classification (germline): Uncertain significance (1 of 4 stars; one submission).

Allele frequency attached by ClinVar (database versions not stated): gnomAD exomes below 0.00001.
gnomAD v4.1: 1 of 1,613,236 alleles (0.000062%); highest among the groups gnomAD compares: Middle Eastern, 0.016%; no homozygotes.

Submission:

CeGaT Center for Human Genetics Tuebingen
Classification: Uncertain significance. Last evaluated: 2024-03-01. Review status: criteria provided, single submitter. Criteria: CeGaT Center For Human Genetics Tuebingen Variant Classification Criteria Version 2. Collection method: clinical testing. Allele origin: germline. Affected: yes. Observed: 1 variant allele.
Comment: DNHD1: PM2, BP4